The following is an entry in ClinVar:

NM_000171.4(GLRA1):c.296C>G (p.Pro99Arg)

Gene: GLRA1 (glycine receptor alpha 1; minus strand). Cytogenetic location: 5q33.1.
Variant type: single nucleotide variant.
Coding change: c.296C>G on transcript NM_000171.4 (MANE Select); coding-DNA position 296, C replaced by G.
Protein change: p.Pro99Arg; replaces proline 99 with arginine.
Molecular consequence: missense variant.
Genome position (GRCh38, 1-based): chr5:151,859,965, G>C on the plus strand (C>G on the coding strand, the complement: GLRA1 is on the minus strand). VCF-style: chr5-151859965-G-C. GRCh37 (hg19) VCF-style: chr5-151239526-G-C.
Other names: c.296C>G, p.Pro99Arg (NM_001146040.2); c.47C>G, p.Pro16Arg (NM_001292000.2); short protein forms P16R, P99R.
Identifiers: ClinVar variation 4759202 (VCV004759202.1).

ClinVar aggregate classification (germline): Uncertain significance (1 of 4 stars; one submission).

Conditions:
Hereditary hyperekplexia. Identifiers: Orphanet 3197, MedGen C4084968, MONDO:0021022.

Submission:

Labcorp Genetics (formerly Invitae), Labcorp
Classification: Uncertain significance for Hereditary hyperekplexia. Last evaluated: 2025-03-30. Review status: criteria provided, single submitter. Criteria: Invitae Variant Classification Sherloc (09022015). Collection method: clinical testing. Allele origin: germline.
Comment: This sequence change replaces proline, which is neutral and non-polar, with arginine, which is basic and polar, at codon 99 of the GLRA1 protein (p.Pro99Arg). This variant is not present in population databases (gnomAD no frequency). This variant has not been reported in the literature in individuals affected with GLRA1-related conditions. Invitae Evidence Modeling of protein sequence and biophysical properties (such as structural, functional, and spatial information, amino acid conservation, physicochemical variation, residue mobility, and thermodynamic stability) indicates that this missense variant is not expected to disrupt GLRA1 protein function with a negative predictive value of 80%. In summary, the available evidence is currently insufficient to determine the role of this variant in disease. Therefore, it has been classified as a Variant of Uncertain Significance.